The following is an entry in ClinVar:

ClinVar aggregate classification (germline): Uncertain significance (1 of 4 stars; one submission).

Conditions:
TCOF1-related disorder. Also called: TCOF1-related condition.

gnomAD v4.1: 66 of 1,614,062 alleles (0.0041%); highest among the groups gnomAD compares: Non-Finnish European, 0.0052%; no homozygotes.

Submission:

PreventionGenetics, part of Exact Sciences
Classification: Uncertain significance for TCOF1-related condition. Last evaluated: 2025-01-09. Review status: criteria provided, single submitter. Criteria: ACMG Guidelines, 2015. Collection method: clinical testing. Allele origin: germline.
Comment: The TCOF1 c.2707G>C variant is predicted to result in the amino acid substitution p.Ala903Pro. To our knowledge, this variant has not been reported in the literature. This variant is reported in 0.0039% of alleles in individuals of European (Non-Finnish) descent in gnomAD. At this time, the clinical significance of this variant is uncertain due to the absence of conclusive functional and genetic evidence.

NM_001371623.1(TCOF1):c.2707G>C (p.Ala903Pro)

Gene: TCOF1 (treacle ribosome biogenesis factor 1; plus strand). Cytogenetic location: 5q32.
Variant type: single nucleotide variant.
Coding change: c.2707G>C on transcript NM_001371623.1 (MANE Select); coding-DNA position 2707, G replaced by C.
Protein change: p.Ala903Pro; replaces alanine 903 with proline.
Molecular consequence: missense variant.
Genome position (GRCh38, 1-based): chr5:150,379,580, G>C. VCF-style: chr5-150379580-G-C. GRCh37 (hg19) VCF-style: chr5-149759143-G-C.
Other names: c.2476G>C, p.Ala826Pro (NM_000356.4, NM_001135245.2, NM_001437406.1); c.2707G>C, p.Ala903Pro (NM_001008657.3, NM_001135243.2, NM_001135244.2 and 1 more transcripts); short protein forms A826P, A903P.
Identifiers: ClinVar variation 4981493 (VCV004981493.1).